The following is an entry in ClinVar:

ClinVar aggregate classification (germline): Conflicting classifications of pathogenicity. Review status: criteria provided, conflicting classifications (1 of 4 stars). 2 submissions from 2 submitters: Uncertain significance (1); Likely benign (1). Last evaluated 2025-04-22.

Conditions:
Hereditary cancer-predisposing syndrome. Also called: Hereditary neoplastic syndrome; Tumor predisposition; Hereditary Cancer Syndrome; Neoplastic Syndromes, Hereditary. Identifiers: Orphanet 140162, MedGen C0027672, MeSH D009386, MONDO:0015356.
Gorlin syndrome. Also called: Basal cell nevus syndrome; Nevoid Basal Cell Carcinoma Syndrome. Identifiers: Orphanet 377, MedGen C0004779, MONDO:0007187.

Allele frequency attached by ClinVar (database versions not stated): gnomAD exomes below 0.00001; gnomAD 0.00001.
gnomAD v4.1: 2 of 1,613,952 alleles (0.00012%); highest among the groups gnomAD compares: African/African-American, 0.0013%; no homozygotes.

Submissions (2):

Labcorp Genetics (formerly Invitae), Labcorp
Classification: Likely benign for Gorlin syndrome. Last evaluated: 2025-04-22. Review status: criteria provided, single submitter. Criteria: Invitae Variant Classification Sherloc (09022015). Collection method: clinical testing. Allele origin: germline.

Ambry Genetics
Classification: Uncertain significance for Hereditary cancer-predisposing syndrome. Last evaluated: 2023-12-20. Review status: criteria provided, single submitter. Criteria: Ambry Variant Classification Scheme 2023. Collection method: clinical testing. Allele origin: germline.
Comment: The p.H652Y variant (also known as c.1954C>T), located in coding exon 14 of the PTCH1 gene, results from a C to T substitution at nucleotide position 1954. The histidine at codon 652 is replaced by tyrosine, an amino acid with similar properties. This amino acid position is conserved. In addition, the in silico prediction for this alteration is inconclusive. Since supporting evidence is limited at this time, the clinical significance of this alteration remains unclear.

NM_000264.5(PTCH1):c.1954C>T (p.His652Tyr)

Genes: PTCH1 (patched 1; minus strand), LOC100507346 (uncharacterized LOC100507346; plus strand). Cytogenetic location: 9q22.32.
Variant type: single nucleotide variant.
Coding change: c.1954C>T on transcript NM_000264.5 (MANE Select); coding-DNA position 1954, C replaced by T.
Protein change: p.His652Tyr; replaces histidine 652 with tyrosine.
Molecular consequence: missense variant. On other transcripts: non-coding transcript variant (2).
Genome position (GRCh38, 1-based): chr9:95,469,047, G>A on the plus strand (C>T on the coding strand, the complement: PTCH1 is on the minus strand). VCF-style: chr9-95469047-G-A. GRCh37 (hg19) VCF-style: chr9-98231329-G-A.
Other names: c.1756C>T, p.His586Tyr (NM_001083602.3); c.1951C>T, p.His651Tyr (NM_001083603.3); c.1501C>T, p.His501Tyr (NM_001083604.3, NM_001083605.3, NM_001083606.3 and 1 more transcripts); c.1798C>T, p.His600Tyr (NM_001354918.2); short protein forms H586Y, H652Y, H651Y, H600Y, H501Y.
Identifiers: ClinVar variation 580200 (VCV000580200.8), dbSNP rs1035631674, ClinGen allele CA196586878.